The following is an entry in ClinVar:

NM_001430.5(EPAS1):c.993C>T (p.Asn331=)

Gene: EPAS1 (endothelial PAS domain protein 1; plus strand). Cytogenetic location: 2p21.
Variant type: single nucleotide variant.
Coding change: c.993C>T on transcript NM_001430.5 (MANE Select); coding-DNA position 993, C replaced by T.
Protein change: p.Asn331=; no amino-acid change (asparagine 331 retained).
Molecular consequence: synonymous variant.
Genome position (GRCh38, 1-based): chr2:46,375,796, C>T. VCF-style: chr2-46375796-C-T. GRCh37 (hg19) VCF-style: chr2-46602935-C-T.
Identifiers: ClinVar variation 896138 (VCV000896138.9), dbSNP rs200678705, ClinGen allele CA1644838.

ClinVar aggregate classification (germline): Benign/Likely benign. Review status: criteria provided, multiple submitters, no conflicts (2 of 4 stars). 4 submissions from 4 submitters: Benign (2); Likely benign (2). Last evaluated 2025-10-20.

Conditions:
Inborn genetic diseases. Identifiers: MedGen C0950123, MeSH D030342.
Erythrocytosis, familial, 4 (ECYT4). Identifiers: Orphanet 247511, MedGen C2673187, MONDO:0012729, OMIM 611783.

Allele frequency attached by ClinVar (database versions not stated): gnomAD 0.00007 and 0.00017; TOPMed 0.00010; gnomAD exomes 0.00017 and 0.00037; ExAC 0.00040; 1000 Genomes Project 30x 0.00047; 1000 Genomes Project 0.00060.
gnomAD v4.1: 291 of 1,614,230 alleles (0.018%); highest among the groups gnomAD compares: South Asian, 0.17%; 4 homozygotes.

Submissions (4):

Labcorp Genetics (formerly Invitae), Labcorp
Classification: Benign. Last evaluated: 2025-10-20. Review status: criteria provided, single submitter. Criteria: Invitae Variant Classification Sherloc (09022015). Collection method: clinical testing. Allele origin: germline.

Blueprint Genetics
Classification: Likely benign. Last evaluated: 2024-11-08. Review status: criteria provided, single submitter. Criteria: ACMG Guidelines, 2015. Collection method: clinical testing. Allele origin: germline.

Ambry Genetics
Classification: Likely benign for Inborn genetic diseases. Last evaluated: 2022-02-24. Review status: criteria provided, single submitter. Criteria: Ambry Variant Classification Scheme 2023. Collection method: clinical testing. Allele origin: germline.

Illumina Laboratory Services, Illumina
Classification: Benign for Erythrocytosis, familial, 4. Last evaluated: 2018-03-23. Review status: criteria provided, single submitter. Criteria: ICSL Variant Classification Criteria 13 December 2019. Collection method: clinical testing. Allele origin: germline.
Comment: This variant was observed in the ICSL laboratory as part of a predisposition screen in an ostensibly healthy population. It had not been previously curated by ICSL or reported in the Human Gene Mutation Database (HGMD: prior to June 1st, 2018), and was therefore a candidate for classification through an automated scoring system. Utilizing variant allele frequency, disease prevalence and penetrance estimates, and inheritance mode, an automated score was calculated to assess if this variant is too frequent to cause the disease. Based on the score and internal cut-off values, a variant classified as benign is not then subjected to further curation. The score for this variant resulted in a classification of benign for this disease.